The following is an entry in ClinVar:

ClinVar aggregate classification (germline): Conflicting classifications of pathogenicity. Review status: criteria provided, conflicting classifications (1 of 4 stars). 4 submissions from 4 submitters: Uncertain significance (1); Likely benign (2). 1 of the submissions does not count toward it. Last evaluated 2026-04-01.

Conditions:
NIPAL4-related disorder. Also called: NIPAL4-related condition.
Autosomal recessive congenital ichthyosis 6 (ARCI6). Identifiers: Orphanet 313, Orphanet 79394, MedGen C2677065, MONDO:0012847, OMIM 612281.

Allele frequency attached by ClinVar (database versions not stated): ESP Exome Variant Server 0.00090; gnomAD 0.00101 and 0.00107; 1000 Genomes Project 30x 0.00125; TOPMed 0.00137; 1000 Genomes Project 0.00140.
gnomAD v4.1: 1,216 of 1,608,810 alleles (0.076%); highest among the groups gnomAD compares: Middle Eastern, 0.65%; 4 homozygotes.

Submissions (4):

CeGaT Center for Human Genetics Tuebingen
Classification: Likely benign. Last evaluated: 2026-04-01. Review status: criteria provided, single submitter. Criteria: CeGaT Center For Human Genetics Tuebingen Variant Classification Criteria Version 2. Collection method: clinical testing. Allele origin: germline. Affected: yes. Observed: 3 variant alleles.
Comment: NIPAL4: BS2

Labcorp Genetics (formerly Invitae), Labcorp
Classification: Likely benign. Last evaluated: 2026-01-26. Review status: criteria provided, single submitter. Criteria: Invitae Variant Classification Sherloc (09022015). Collection method: clinical testing. Allele origin: germline.

Illumina Laboratory Services, Illumina
Classification: Uncertain significance for Autosomal recessive congenital ichthyosis 6. Last evaluated: 2018-01-13. Review status: criteria provided, single submitter. Criteria: ICSL Variant Classification Criteria 13 December 2019. Collection method: clinical testing. Allele origin: germline.

PreventionGenetics, part of Exact Sciences
Classification: Likely benign for NIPAL4-related condition. Last evaluated: 2023-09-27. Review status: no assertion criteria provided. Collection method: clinical testing. Allele origin: germline. Not counted in ClinVar's aggregate classification.
Comment: This variant is classified as likely benign based on ACMG/AMP sequence variant interpretation guidelines (Richards et al. 2015 PMID: 25741868, with internal and published modifications).

NM_001099287.2(NIPAL4):c.260C>T (p.Thr87Met)

Gene: NIPAL4 (NIPA like domain containing 4; plus strand). Cytogenetic location: 5q33.3.
Variant type: single nucleotide variant.
Coding change: c.260C>T on transcript NM_001099287.2 (MANE Select); coding-DNA position 260, C replaced by T.
Protein change: p.Thr87Met; replaces threonine 87 with methionine.
Molecular consequence: missense variant.
Genome position (GRCh38, 1-based): chr5:157,463,316, C>T. VCF-style: chr5-157463316-C-T. GRCh37 (hg19) VCF-style: chr5-156890324-C-T.
Other names: c.260C>T, p.Thr87Met (NM_001172292.2); short protein forms T149M, T87M.
Identifiers: ClinVar variation 352509 (VCV000352509.57), dbSNP rs188020393, ClinGen allele CA3534563.